The following is an entry in ClinVar:

NM_000426.4(LAMA2):c.323C>T (p.Thr108Ile)

Gene: LAMA2 (laminin subunit alpha 2; plus strand). Cytogenetic location: 6q22.33.
Variant type: single nucleotide variant.
Coding change: c.323C>T on transcript NM_000426.4 (MANE Select); coding-DNA position 323, C replaced by T.
Protein change: p.Thr108Ile; replaces threonine 108 with isoleucine.
Molecular consequence: missense variant.
Genome position (GRCh38, 1-based): chr6:129,059,823, C>T. VCF-style: chr6-129059823-C-T. GRCh37 (hg19) VCF-style: chr6-129380968-C-T.
Other names: c.323C>T, p.Thr108Ile (NM_001079823.2); short protein forms T108I.
Identifiers: ClinVar variation 640024 (VCV000640024.6), dbSNP rs574486340, ClinGen allele CA3992293.
Genomic context (GRCh38, chr6:129,059,823, plus strand): 5'-ATGATGCTGCTAACTCAATAGAGAGACACCCGATTACAAATGCTATTGATGGAAAGAACA[C>T]TTGGTGGCAGAGTCCCAGTATTAAGAATGGAATCGAATACCATTATGTGACAATTACCCT-3'
Protein context (NP_000417.3, residues 98-118): PITNAIDGKN[Thr108Ile]WWQSPSIKNG

ClinVar aggregate classification (germline): Uncertain significance (1 of 4 stars; one submission).

Conditions:
LAMA2-related muscular dystrophy (LAMA2-RD). Also called: Laminin alpha 2-related dystrophy. Identifiers: MedGen C5679788, MONDO:0100228.

Allele frequency attached by ClinVar (database versions not stated): gnomAD exomes below 0.00001 and 0.00001; ExAC 0.00001; gnomAD 0.00001; 1000 Genomes Project 30x 0.00016; 1000 Genomes Project 0.00020.
gnomAD v4.1: 7 of 1,610,580 alleles (0.00043%); highest among the groups gnomAD compares: South Asian, 0.0077%; no homozygotes.

Submission:

Labcorp Genetics (formerly Invitae), Labcorp
Classification: Uncertain significance for LAMA2-related muscular dystrophy. Last evaluated: 2022-08-15. Review status: criteria provided, single submitter. Criteria: Invitae Variant Classification Sherloc (09022015). Collection method: clinical testing. Allele origin: germline.
Comment: This sequence change replaces threonine, which is neutral and polar, with isoleucine, which is neutral and non-polar, at codon 108 of the LAMA2 protein (p.Thr108Ile). This variant is present in population databases (rs574486340, gnomAD 0.003%). This variant has not been reported in the literature in individuals affected with LAMA2-related conditions. ClinVar contains an entry for this variant (Variation ID: 640024). Advanced modeling of protein sequence and biophysical properties (such as structural, functional, and spatial information, amino acid conservation, physicochemical variation, residue mobility, and thermodynamic stability) performed at Invitae indicates that this missense variant is not expected to disrupt LAMA2 protein function. In summary, the available evidence is currently insufficient to determine the role of this variant in disease. Therefore, it has been classified as a Variant of Uncertain Significance.